The following is an entry in ClinVar:

NM_000448.3(RAG1):c.337A>G (p.Ile113Val)

Gene: RAG1 (recombination activating 1; plus strand). Cytogenetic location: 11p12.
Variant type: single nucleotide variant.
Coding change: c.337A>G on transcript NM_000448.3 (MANE Select); coding-DNA position 337, A replaced by G.
Protein change: p.Ile113Val; replaces isoleucine 113 with valine.
Molecular consequence: missense variant.
Genome position (GRCh38, 1-based): chr11:36,573,641, A>G. VCF-style: chr11-36573641-A-G. GRCh37 (hg19) VCF-style: chr11-36595191-A-G.
Other names: c.337A>G, p.Ile113Val (NM_001377277.1, NM_001377278.1, NM_001377279.1 and 1 more transcripts); short protein forms I113V.
Identifiers: ClinVar variation 1059221 (VCV001059221.9), dbSNP rs2133293304, ClinGen allele CA380146331.

ClinVar aggregate classification (germline): Uncertain significance (1 of 4 stars; one submission).

Conditions:
Combined immunodeficiency with skin granulomas. Identifiers: Orphanet 157949, MedGen C2673536, MONDO:0009306, OMIM 233650.
Severe combined immunodeficiency, autosomal recessive, T cell-negative, B cell-negative, NK cell-positive. Also called: SCID, AR, T-cell negative, B-cell negative, NK cell-positive; Severe combined immunodeficiency due to complete RAG1/2 deficiency; SCID, T CELL-NEGATIVE, B CELL-NEGATIVE, NK CELL-POSITIVE. Identifiers: Orphanet 331206, MedGen C1832322, MONDO:0011086, OMIM 601457.

Allele frequency attached by ClinVar (database versions not stated): gnomAD exomes below 0.00001.
gnomAD v4.1: 1 of 1,614,188 alleles (0.000062%); highest among the groups gnomAD compares: Non-Finnish European, 0.000085%; no homozygotes.

Submission:

Labcorp Genetics (formerly Invitae), Labcorp
Classification: Uncertain significance for Combined immunodeficiency with skin granulomas; Severe combined immunodeficiency, autosomal recessive, T cell-negative, B cell-negative, NK cell-positive. Last evaluated: 2024-10-15. Review status: criteria provided, single submitter. Criteria: Invitae Variant Classification Sherloc (09022015). Collection method: clinical testing. Allele origin: germline.
Comment: This sequence change replaces isoleucine, which is neutral and non-polar, with valine, which is neutral and non-polar, at codon 113 of the RAG1 protein (p.Ile113Val). This variant is not present in population databases (gnomAD no frequency). This variant has not been reported in the literature in individuals affected with RAG1-related conditions. ClinVar contains an entry for this variant (Variation ID: 1059221). Invitae Evidence Modeling of protein sequence and biophysical properties (such as structural, functional, and spatial information, amino acid conservation, physicochemical variation, residue mobility, and thermodynamic stability) indicates that this missense variant is not expected to disrupt RAG1 protein function with a negative predictive value of 80%. In summary, the available evidence is currently insufficient to determine the role of this variant in disease. Therefore, it has been classified as a Variant of Uncertain Significance.